The following is an entry in ClinVar:

NM_152263.4(TPM3):c.*780A>G

Gene: TPM3 (tropomyosin 3; minus strand). Cytogenetic location: 1q21.3.
Variant type: single nucleotide variant.
Coding change: c.*780A>G on transcript NM_152263.4 (MANE Select); 780 bases downstream of the stop codon, A replaced by G.
Molecular consequence: 3 prime UTR variant. On other transcripts: intron variant (12).
Genome position (GRCh38, 1-based): chr1:154,167,157, T>C on the plus strand (A>G on the coding strand, the complement: TPM3 is on the minus strand). VCF-style: chr1-154167157-T-C. GRCh37 (hg19) VCF-style: chr1-154139633-T-C.
Other names: c.*780A>G (NM_001364682.1, NM_001364683.1); c.775+3243A>G (NM_001364679.2, NM_001364681.2, NM_001364680.2); c.466+3243A>G (NM_001278188.2); c.664+3243A>G (NM_001043351.2, NM_001043353.2, NM_153649.4 and 1 more transcripts); c.743+2148A>G (NM_001349679.2, NM_001278189.2); c.601+3243A>G (NM_001278190.2); c.394+3243A>G (NM_001278191.2).
Identifiers: ClinVar variation 876991 (VCV000876991.4), dbSNP rs185779007, ClinGen allele CA30765794.
Genomic context (GRCh38, chr1:154,167,157, plus strand): 5'-TGAAATATGCATGATTGGTCATTTTAGTTTTCCCAATAATAATTTATCACTTATCTTATA[T>C]CCCACTAGTCACACACTAGCAGGCAAATGGTAGCAAGTCTCAAATATGTAAGAAAGGTTT-3'

ClinVar aggregate classification (germline): Likely benign. Review status: criteria provided, single submitter (1 of 4 stars). 2 submissions from 1 submitter: Likely benign (2). Last evaluated 2018-01-12.

Conditions:
Congenital myopathy with fiber type disproportion. Also called: Congenital fiber-type disproportion myopathy; Congenital fiber-type disproportion. Identifiers: Orphanet 2020, MedGen C0546264, MONDO:0009711. Inheritance: all.
Congenital myopathy 4B, autosomal recessive. Also called: Nemaline myopathy 1, autosomal dominant or recessive. Identifiers: Orphanet 171433, Orphanet 171439, Orphanet 171881, MedGen C5829889, MONDO:0012239, OMIM 609284.

Allele frequency attached by ClinVar (database versions not stated): gnomAD exomes 0.00027; gnomAD 0.00277 and 0.00287; TOPMed 0.00324; 1000 Genomes Project 0.00359; 1000 Genomes Project 30x 0.00422.
gnomAD v4.1: 448 of 257,374 alleles (0.17%); highest among the groups gnomAD compares: African/African-American, 0.91%; 3 homozygotes.

Submissions (2):

Illumina Laboratory Services, Illumina
Classification: Likely benign for Congenital myopathy 4B, autosomal recessive. Last evaluated: 2018-01-12. Review status: criteria provided, single submitter. Criteria: ICSL Variant Classification Criteria 13 December 2019. Collection method: clinical testing. Allele origin: germline.
Comment: This variant was observed in the ICSL laboratory as part of a predisposition screen in an ostensibly healthy population. It had not been previously curated by ICSL or reported in the Human Gene Mutation Database (HGMD: prior to June 1st, 2018), and was therefore a candidate for classification through an automated scoring system. Utilizing variant allele frequency, disease prevalence and penetrance estimates, and inheritance mode, an automated score was calculated to assess if this variant is too frequent to cause the disease. Based on the score and internal cut-off values, a variant classified as likely benign is not then subjected to further curation. The score for this variant resulted in a classification of likely benign for this disease.

Illumina Laboratory Services, Illumina
Classification: Likely benign for Congenital myopathy 4A, autosomal dominant. Last evaluated: 2018-01-12. Review status: criteria provided, single submitter. Criteria: ICSL Variant Classification Criteria 13 December 2019. Collection method: clinical testing. Allele origin: germline.
Comment: the same text as in the submission from Illumina Laboratory Services, Illumina above.